The following is an entry in ClinVar:

ClinVar aggregate classification (germline): Uncertain significance. Review status: criteria provided, multiple submitters, no conflicts (2 of 4 stars). 4 submissions from 4 submitters: Uncertain significance (4). Last evaluated 2025-10-20.

Conditions:
Pitt-Hopkins-like syndrome 2 (PTHSL2). Identifiers: Orphanet 221150, Orphanet 600663, MedGen C3280479, MONDO:0013690, OMIM 614325.
Chromosome 2p16.3 deletion syndrome. Identifiers: MedGen C3808494, MONDO:0013696, OMIM 614332.
Inborn genetic diseases. Identifiers: MedGen C0950123, MeSH D030342.

Allele frequency attached by ClinVar (database versions not stated): gnomAD exomes 0.00005 and 0.00010; ExAC 0.00007; ESP Exome Variant Server 0.00008; gnomAD 0.00008; TOPMed 0.00009.
gnomAD v4.1: 159 of 1,613,850 alleles (0.0099%); highest among the groups gnomAD compares: Non-Finnish European, 0.013%; no homozygotes.

Submissions (4):

Labcorp Genetics (formerly Invitae), Labcorp
Classification: Uncertain significance for Pitt-Hopkins-like syndrome 2. Last evaluated: 2025-10-20. Review status: criteria provided, single submitter. Criteria: Invitae Variant Classification Sherloc (09022015). Collection method: clinical testing. Allele origin: germline.
Comment: This sequence change replaces alanine, which is neutral and non-polar, with threonine, which is neutral and polar, at codon 700 of the NRXN1 protein (p.Ala700Thr). This variant is present in population databases (rs199939303, gnomAD 0.01%). This variant has not been reported in the literature in individuals affected with NRXN1-related conditions. ClinVar contains an entry for this variant (Variation ID: 206276). An algorithm developed to predict the effect of missense changes on protein structure and function (PolyPhen-2) suggests that this variant is likely to be disruptive. In summary, the available evidence is currently insufficient to determine the role of this variant in disease. Therefore, it has been classified as a Variant of Uncertain Significance.

GeneDx
Classification: Uncertain significance. Last evaluated: 2023-08-21. Review status: criteria provided, single submitter. Criteria: GeneDx Variant Classification Process June 2021. Collection method: clinical testing. Allele origin: germline. Affected: yes.
Comment: In silico analysis supports that this missense variant has a deleterious effect on protein structure/function; Missense variant in a gene in which most reported pathogenic variants are truncating/loss-of-function; Has not been previously published as pathogenic or benign to our knowledge

Fulgent Genetics
Classification: Uncertain significance for Pitt-Hopkins-like syndrome 2; Chromosome 2p16.3 deletion syndrome. Last evaluated: 2018-10-31. Review status: criteria provided, single submitter. Criteria: ACMG Guidelines, 2015. Collection method: clinical testing. Allele origin: unknown.

Ambry Genetics
Classification: Uncertain significance for Inborn genetic diseases. Last evaluated: 2017-02-20. Review status: criteria provided, single submitter. Criteria: Ambry Variant Classification Scheme 2023. Collection method: clinical testing. Allele origin: germline.
Comment: The p.A700T variant (also known as c.2098G>A), located in coding exon 10 of the NRXN1 gene, results from a G to A substitution at nucleotide position 2098. The alanine at codon 700 is replaced by threonine, an amino acid with similar properties. This amino acid position is highly conserved in available vertebrate species. In addition, this alteration is predicted to be deleterious by in silico analysis. Since supporting evidence is limited at this time, the clinical significance of this alteration remains unclear.

NM_001330078.2(NRXN1):c.1978G>A (p.Ala660Thr)

Gene: NRXN1 (neurexin 1; minus strand). Cytogenetic location: 2p16.3.
Variant type: single nucleotide variant.
Coding change: c.1978G>A on transcript NM_001330078.2 (MANE Select); coding-DNA position 1978, G replaced by A.
Protein change: p.Ala660Thr; replaces alanine 660 with threonine.
Molecular consequence: missense variant.
Genome position (GRCh38, 1-based): chr2:50,538,418, C>T on the plus strand (G>A on the coding strand, the complement: NRXN1 is on the minus strand). VCF-style: chr2-50538418-C-T. GRCh37 (hg19) VCF-style: chr2-50765556-C-T.
Other names: p.A700T:GCT>ACT; c.2098G>A, p.Ala700Thr (NM_001135659.3); c.1954G>A, p.Ala652Thr (NM_001330077.2, NM_001330082.2, NM_001330095.2); c.1939G>A, p.Ala647Thr (NM_001330083.2, NM_001330084.2); c.1978G>A, p.Ala660Thr (NM_001330085.2, NM_001330086.2, NM_004801.6); c.1894G>A, p.Ala632Thr (NM_001330087.2, NM_001330096.2); c.1924G>A, p.Ala642Thr (NM_001330088.2); c.1975G>A, p.Ala659Thr (NM_001330093.2); and 1 more; short protein forms A700T, A632T, A660T, A642T, A647T, A659T, A652T, A656T.
Identifiers: ClinVar variation 206276 (VCV000206276.17), dbSNP rs199939303, ClinGen allele CA316198.
Genomic context (GRCh38, chr2:50,538,418, plus strand): 5'-ACGGTTTTGCTGTTTCCTTTGAGCAGGAAGGCTTCACTCCAGCAGTACTTTGAACTTCAG[C>T]CATTTGCCGGATATCTTTGCTTTGGCCATCGATGAACAAATCCCTGATGCAGCCCACGTA-3'
Protein context (NP_001317007.1, residues 650-670): DGQSKDIRQM[Ala660Thr]EVQSTAGVKP